The following is an entry in ClinVar:

NM_201253.3(CRB1):c.3442T>C (p.Cys1148Arg)

Gene: CRB1 (crumbs cell polarity complex component 1; plus strand). Cytogenetic location: 1q31.3.
Variant type: single nucleotide variant.
Coding change: c.3442T>C on transcript NM_201253.3 (MANE Select); coding-DNA position 3442, T replaced by C.
Protein change: p.Cys1148Arg; replaces cysteine 1148 with arginine.
Molecular consequence: missense variant. On other transcripts: non-coding transcript variant (2), intron variant (1).
Genome position (GRCh38, 1-based): chr1:197,435,305, T>C. VCF-style: chr1-197435305-T-C. GRCh37 (hg19) VCF-style: chr1-197404435-T-C.
Other names: c.3106T>C, p.Cys1036Arg (NM_001193640.2); c.3370T>C, p.Cys1124Arg (NM_001257965.2); c.2129-295T>C (NM_001257966.2); short protein forms C1036R, C1124R, C1148R.
Identifiers: ClinVar variation 1456203 (VCV001456203.12), dbSNP rs2125500491, ClinGen allele CA344047937.
Genomic context (GRCh38, chr1:197,435,305, plus strand): 5'-ATCTCTACCAATTCAGTGGTCACTGGCTGTTTGCAGTTAAATGTCTGCAACTCCAACCCC[T>C]GTTTGCATGGAGGAAACTGTGAAGACATCTATAGCTCTTATCATTGCTCCTGTCCCTTGG-3'
Protein context (NP_957705.1, residues 1138-1158): LQLNVCNSNP[Cys1148Arg]LHGGNCEDIY

ClinVar aggregate classification (germline): Pathogenic/Likely pathogenic. Review status: criteria provided, multiple submitters, no conflicts (2 of 4 stars). 6 submissions from 6 submitters: Pathogenic (5); Likely pathogenic (1). Last evaluated 2024-05-15.

Conditions:
Retinitis pigmentosa 12 (RP12). Also called: RP WITH OR WITHOUT PPRPE; RP WITH OR WITHOUT PRESERVED PARAARTERIOLE RETINAL PIGMENT EPITHELIUM; RETINITIS PIGMENTOSA WITH OR WITHOUT PARAARTERIOLAR PRESERVATION OF RETINAL PIGMENT EPITHELIUM. Identifiers: Orphanet 791, MedGen C1838647, MONDO:0010818, OMIM 600105.
Leber congenital amaurosis 8 (LCA8). Identifiers: Orphanet 65, MedGen C3151202, MONDO:0013453, OMIM 613835.
Pigmented paravenous retinochoroidal atrophy. Identifiers: Orphanet 251295, MedGen C1868310, MONDO:0008246, OMIM 172870.
CRB1-related disorder. Also called: CRB1-related disorders; CRB1-related condition.
Retinal dystrophy. Also called: Inherited retinal dystrophy. Identifiers: Orphanet 71862, MedGen C0854723, MeSH D058499, MONDO:0019118, HP:0000556.

gnomAD v4.1: 1 of 1,613,844 alleles (0.000062%); no homozygotes.

Submissions (6):

Fulgent Genetics
Classification: Pathogenic for Pigmented paravenous retinochoroidal atrophy; Retinitis pigmentosa 12; Leber congenital amaurosis 8. Last evaluated: 2024-05-15. Review status: criteria provided, single submitter. Criteria: ACMG Guidelines, 2015. Collection method: clinical testing. Allele origin: germline.

Women's Health and Genetics/Laboratory Corporation of America, LabCorp
Classification: Pathogenic for Retinal dystrophy. Last evaluated: 2024-05-13. Review status: criteria provided, single submitter. Criteria: LabCorp Variant Classification Summary - May 2015. Collection method: clinical testing. Allele origin: germline.
Comment: Variant summary: CRB1 c.3442T>C (p.Cys1148Arg) results in a non-conservative amino acid change located in the EGF-like domain (IPR000742) of the encoded protein sequence. Five of five in-silico tools predict a damaging effect of the variant on protein function. The variant was absent in 250354 control chromosomes. c.3442T>C has been reported in the literature in the compound heterozygous or homozygous state in multiple individuals affected with Leber congenital amaurosis or retinitis pigmentosa, including at least 2 individuals who carried a pathogenic variant in trans (example, Shen_2015, Wang_2021, Weisschuh_2020, Huang_2015, Jinda_2014). These data indicate that the variant is very likely to be associated with disease. To our knowledge, no experimental evidence demonstrating an impact on protein function has been reported. The following publications have been ascertained in the context of this evaluation (PMID: 25356976, 24618324, 25377065, 33342761, 32531858). ClinVar contains an entry for this variant (Variation ID: 1456203). Based on the evidence outlined above, the variant was classified as pathogenic.

Labcorp Genetics (formerly Invitae), Labcorp
Classification: Pathogenic for Leber congenital amaurosis 8; Retinitis pigmentosa 12. Last evaluated: 2024-04-03. Review status: criteria provided, single submitter. Criteria: Invitae Variant Classification Sherloc (09022015). Collection method: clinical testing. Allele origin: germline.
Comment: This sequence change replaces cysteine, which is neutral and slightly polar, with arginine, which is basic and polar, at codon 1148 of the CRB1 protein (p.Cys1148Arg). This variant is not present in population databases (gnomAD no frequency). This missense change has been observed in individual(s) with CRB1-related conditions (PMID: 24618324, 25356976). In at least one individual the data is consistent with being in trans (on the opposite chromosome) from a pathogenic variant. ClinVar contains an entry for this variant (Variation ID: 1456203). Advanced modeling of protein sequence and biophysical properties (such as structural, functional, and spatial information, amino acid conservation, physicochemical variation, residue mobility, and thermodynamic stability) performed at Invitae indicates that this missense variant is expected to disrupt CRB1 protein function with a positive predictive value of 95%. For these reasons, this variant has been classified as Pathogenic.

Baylor Genetics
Classification: Pathogenic for Leber congenital amaurosis 8. Last evaluated: 2024-01-05. Review status: criteria provided, single submitter. Criteria: ACMG Guidelines, 2015. Collection method: clinical testing. Allele origin: unknown.

Blueprint Genetics
Classification: Pathogenic for CRB1-related disorders. Last evaluated: 2018-05-13. Review status: criteria provided, single submitter. Criteria: ACMG Guidelines, 2015. Collection method: clinical testing. Allele origin: germline. Affected: yes. Observed: 2 variant alleles.

Institute of Human Genetics, Univ. Regensburg, Univ. Regensburg
Classification: Likely pathogenic for Retinal dystrophy. Last evaluated: 2016-01-01. Review status: criteria provided, single submitter. Criteria: ACMG Guidelines, 2015. Collection method: clinical testing. Allele origin: germline. Affected: yes.

Literature cited by the submitters: PubMed 25356976 (cited by 3 submitters); PubMed 24618324 (cited by 3 submitters); PubMed 32531858 (cited by Women's Health and Genetics/Laboratory Corporation of America, LabCorp and Institute of Human Genetics, Univ. Regensburg, Univ. Regensburg); PubMed 25377065 (cited by Women's Health and Genetics/Laboratory Corporation of America, LabCorp); PubMed 33342761 (cited by Women's Health and Genetics/Laboratory Corporation of America, LabCorp and Institute of Human Genetics, Univ. Regensburg, Univ. Regensburg); PubMed 26047050 (cited by Institute of Human Genetics, Univ. Regensburg, Univ. Regensburg); PubMed 28512305 (cited by Institute of Human Genetics, Univ. Regensburg, Univ. Regensburg); PubMed 31054281 (cited by Institute of Human Genetics, Univ. Regensburg, Univ. Regensburg); PubMed 31879567 (cited by Institute of Human Genetics, Univ. Regensburg, Univ. Regensburg); PubMed 32901921 (cited by Institute of Human Genetics, Univ. Regensburg, Univ. Regensburg); PubMed 31630094 (cited by Institute of Human Genetics, Univ. Regensburg, Univ. Regensburg).